The following is an entry in ClinVar:

ClinVar aggregate classification (germline): Uncertain significance. Review status: criteria provided, multiple submitters, no conflicts (2 of 4 stars). 2 submissions from 2 submitters: Uncertain significance (2). Last evaluated 2022-03-03.

Conditions:
Inborn genetic diseases. Identifiers: MedGen C0950123, MeSH D030342.

Allele frequency attached by ClinVar (database versions not stated): gnomAD 0.00001 and 0.00002; gnomAD exomes 0.00001; TOPMed 0.00003; ESP Exome Variant Server 0.00015.
gnomAD v4.1: 11 of 1,611,732 alleles (0.00068%); highest among the groups gnomAD compares: African/African-American, 0.013%; no homozygotes.

Submissions (2):

Ambry Genetics
Classification: Uncertain significance for Inborn genetic diseases. Last evaluated: 2022-03-03. Review status: criteria provided, single submitter. Criteria: Ambry Variant Classification Scheme 2023. Collection method: clinical testing. Allele origin: germline.

Labcorp Genetics (formerly Invitae), Labcorp
Classification: Uncertain significance. Last evaluated: 2021-12-04. Review status: criteria provided, single submitter. Criteria: Invitae Variant Classification Sherloc (09022015). Collection method: clinical testing. Allele origin: germline.
Comment: This sequence change replaces glutamic acid, which is acidic and polar, with aspartic acid, which is acidic and polar, at codon 1025 of the UBE3B protein (p.Glu1025Asp). This variant is present in population databases (rs147492786, gnomAD 0.02%). This variant has not been reported in the literature in individuals affected with UBE3B-related conditions. Algorithms developed to predict the effect of missense changes on protein structure and function (SIFT, PolyPhen-2, Align-GVGD) all suggest that this variant is likely to be tolerated. In summary, the available evidence is currently insufficient to determine the role of this variant in disease. Therefore, it has been classified as a Variant of Uncertain Significance.

NM_130466.4(UBE3B):c.3075G>T (p.Glu1025Asp)

Gene: UBE3B (ubiquitin protein ligase E3B; plus strand). Cytogenetic location: 12q24.11.
Variant type: single nucleotide variant.
Coding change: c.3075G>T on transcript NM_130466.4 (MANE Select); coding-DNA position 3075, G replaced by T.
Protein change: p.Glu1025Asp; replaces glutamic acid 1025 with aspartic acid.
Molecular consequence: missense variant.
Genome position (GRCh38, 1-based): chr12:109,534,650, G>T. VCF-style: chr12-109534650-G-T. GRCh37 (hg19) VCF-style: chr12-109972455-G-T.
Other names: c.3075G>T, p.Glu1025Asp (NM_183415.3); c.3075G>T (NM_130466.2); short protein forms E1025D.
Identifiers: ClinVar variation 1513517 (VCV001513517.4), dbSNP rs147492786, ClinGen allele CA6778470.